The following is an entry in ClinVar:

ClinVar aggregate classification (germline): Uncertain significance. Review status: criteria provided, multiple submitters, no conflicts (2 of 4 stars). 2 submissions from 2 submitters: Uncertain significance (2). Last evaluated 2025-08-03.

Conditions:
Cardiovascular phenotype. Identifiers: MedGen CN230736.
Myofibrillar myopathy 4. Also called: Zaspopathy (type). Identifiers: Orphanet 98912, MedGen C4721886, MONDO:0012277, OMIM 609452.

Submissions (2):

Labcorp Genetics (formerly Invitae), Labcorp
Classification: Uncertain significance for Myofibrillar myopathy 4. Last evaluated: 2025-08-03. Review status: criteria provided, single submitter. Criteria: Invitae Variant Classification Sherloc (09022015). Collection method: clinical testing. Allele origin: germline.
Comment: This variant, c.18_23dup, results in the insertion of 2 amino acid(s) of the LDB3 protein (p.Leu7_Thr8dup), but otherwise preserves the integrity of the reading frame. This variant is present in population databases (rs763212970, gnomAD 0.003%). This variant has not been reported in the literature in individuals affected with LDB3-related conditions. ClinVar contains an entry for this variant (Variation ID: 2196365). Experimental studies and prediction algorithms are not available or were not evaluated, and the functional significance of this variant is currently unknown. In summary, the available evidence is currently insufficient to determine the role of this variant in disease. Therefore, it has been classified as a Variant of Uncertain Significance.

Ambry Genetics
Classification: Uncertain significance for Cardiovascular phenotype. Last evaluated: 2023-02-10. Review status: criteria provided, single submitter. Criteria: Ambry Variant Classification Scheme 2023. Collection method: clinical testing. Allele origin: germline.
Comment: The c.18_23dupCCTGAC variant (also known as p.L7_T8dup), located in coding exon 1 of the LDB3 gene, results from an in-frame duplication of CCTGAC at nucleotide positions 18 to 23. This results in the duplication of 2 extra residues (LT) between codons 7 and 8. These amino acid positions are not well conserved in available vertebrate species. In addition, this alteration is predicted to be deleterious by in silico analysis (Choi Y et al. PLoS ONE. 2012; 7(10):e46688). Since supporting evidence is limited at this time, the clinical significance of this alteration remains unclear.

NM_007078.3(LDB3):c.18_23dup (p.Thr8_Gly9insLeuThr)

Gene: LDB3 (LIM domain binding 3; plus strand). Cytogenetic location: 10q23.2.
Variant type: Duplication.
Coding change: c.18_23dup on transcript NM_007078.3 (MANE Select); coding-DNA positions 18 to 23, 6 bases duplicated (CCTGAC; older notation c.18_23dupCCTGAC).
Protein change: p.Thr8_Gly9insLeuThr.
Molecular consequence: inframe insertion.
Genome position (GRCh38, 1-based): chr10:86,668,709-86,668,714, CCTGAC duplicated; duplicating any 6 consecutive bases within chr10:86,668,705-86,668,714 gives the same sequence; the c. name uses the placement nearest the transcript's 3' end. VCF-style (leftmost placement, unchanged base first): chr10-86668704-G-GTGACCC. GRCh37 (hg19) VCF-style: chr10-88428461-G-GTGACCC.
Other names: c.18_23dup, p.Thr8_Gly9insLeuThr (NM_001080114.2, NM_001080115.2, NM_001080116.1 and 8 more transcripts); c.18_23dupCCTGAC (NM_007078.2).
Identifiers: ClinVar variation 2196365 (VCV002196365.6), dbSNP rs763212970, ClinGen allele CA5584561.
Genomic context (GRCh38, chr10:86,668,704, plus strand): 5'-AACCCTCTCTACCCTTTGTCTGCAGAGGCGGCCGCTGACAGCACCAGCATGTCTTACAGT[G>GTGACCC]TGACCCTGACTGGGCCCGGGCCCTGGGGCTTCCGTCTGCAGGGGGGCAAGGACTTCAACA-3'